The following is an entry in ClinVar:

NM_005515.4(MNX1):c.852G>A (p.Gln284=)

Genes: MNX1 (motor neuron and pancreas homeobox 1; minus strand), MNX1-AS2 (MNX1 antisense RNA 2; plus strand). Cytogenetic location: 7q36.3.
Variant type: single nucleotide variant.
Coding change: c.852G>A on transcript NM_005515.4 (MANE Select); coding-DNA position 852, G replaced by A.
Protein change: p.Gln284=; no amino-acid change (glutamine 284 retained).
Molecular consequence: synonymous variant.
Genome position (GRCh38, 1-based): chr7:157,006,479, C>T on the plus strand (G>A on the coding strand, the complement: MNX1 is on the minus strand). VCF-style: chr7-157006479-C-T. GRCh37 (hg19) VCF-style: chr7-156799173-C-T.
Other names: c.216G>A, p.Gln72= (NM_001165255.2).
Identifiers: ClinVar variation 1805749 (VCV001805749.1), dbSNP rs2537773764, ClinGen allele CA458773532.

ClinVar aggregate classification (germline): Uncertain significance (1 of 4 stars; one submission).

Conditions:
Currarino triad. Identifiers: Orphanet 1552, MedGen C1531773, MONDO:0008305, OMIM 176450.

Submission:

Victorian Clinical Genetics Services, Murdoch Childrens Research Institute
Classification: Uncertain significance for Currarino triad. Last evaluated: 2020-07-02. Review status: criteria provided, single submitter. Criteria: ACMG Guidelines, 2015. Collection method: clinical testing. Allele origin: germline. Inheritance: Autosomal dominant inheritance. Affected: yes.
Comment: Based on the classification scheme VCGS_Germline_v1.1.1, this variant is classified as 3A-VUS. Following criteria are met: 0102 - Loss-of-function is a known mechanism of disease for this gene. (N) 0107 - This gene is known to be associated with autosomal dominant disease. (N) 0112 - Variants in this gene are known to have reduced penetrance (PMID: 29401559). (N) 0212 - Non-canonical splice variant without proven consequence on splicing (no functional evidence available) (exon 2 of 2). (P) 0251 - Variant is heterozygous. (N) 0301 - Variant is absent from gnomAD. (P) 0505 - Abnormal splicing is predicted by in-silico tools and affected nucleotide is highly conserved. (P) 0600 - Variant is located in an annotated domain or motif (DNA binding site of the Homeobox domain; NCBI). (N) 0705 - No comparable variants have previous evidence for pathogenicity. (N) 0804 - Variant is absent in the population and has previously been described as variant of uncertain significance in one individual with Currarino Syndrome (PMID: 29401559). (N) 0905 - No segregation evidence has been identified for this variant. (N) 1007 - No published functional evidence has been identified for this variant. (N) 1102 - Strong phenotype match. (N) Legend: (P) - Pathogenic, (N) - Neutral, (B) - Benign

Literature cited by the submitters: PubMed 29401559.